The following is an entry in ClinVar:

ClinVar aggregate classification (germline): Uncertain significance (1 of 4 stars; one submission).

Conditions:
Hereditary cancer-predisposing syndrome. Also called: Neoplastic Syndromes, Hereditary; Tumor predisposition; Hereditary Cancer Syndrome; Hereditary neoplastic syndrome. Identifiers: Orphanet 140162, MedGen C0027672, MeSH D009386, MONDO:0015356.

Submission:

Ambry Genetics
Classification: Uncertain significance for Hereditary cancer-predisposing syndrome. Last evaluated: 2024-04-17. Review status: criteria provided, single submitter. Criteria: Ambry Variant Classification Scheme 2023. Collection method: clinical testing. Allele origin: germline.
Comment: The c.-3C>G variant is located in the 5' untranslated region (5&rsquo; UTR) of the NBN gene. This variant results from a C to G substitution 3 bases upstream from the first translated codon. This nucleotide position is well conserved in available vertebrate species. Based on the available evidence, the clinical significance of this variant remains unclear.

NM_002485.5(NBN):c.-3C>G

Gene: NBN (nibrin; minus strand). Cytogenetic location: 8q21.3.
Variant type: single nucleotide variant.
Coding change: c.-3C>G on transcript NM_002485.5 (MANE Select); 3 bases upstream of the start codon, C replaced by G.
Molecular consequence: 5 prime UTR variant.
Genome position (GRCh38, 1-based): chr8:89,984,564, G>C on the plus strand (C>G on the coding strand, the complement: NBN is on the minus strand). VCF-style: chr8-89984564-G-C. GRCh37 (hg19) VCF-style: chr8-90996792-G-C.
Other names: c.-299C>G (NM_001024688.3).
Identifiers: ClinVar variation 483967 (VCV000483967.6), dbSNP rs1276313619, ClinGen allele CA658657801.
Genomic context (GRCh38, chr8:89,984,564, plus strand): 5'-AGGCTTCCCTTCTGCCCTTACCTCCTGCCGGGCCCGCGGCGGGCAGCAGTTTCCACATCG[G>C]TCCGGCTCCTCAGGGCTGGGGCCGACGTGCAACCGCGTAACCGGGGCTGCTAGACGAGCG-3'